The following is an entry in ClinVar:

NM_001041.4(SI):c.371T>C (p.Ile124Thr)

Gene: SI (sucrase-isomaltase; minus strand). Cytogenetic location: 3q26.1.
Variant type: single nucleotide variant.
Coding change: c.371T>C on transcript NM_001041.4 (MANE Select); coding-DNA position 371, T replaced by C.
Protein change: p.Ile124Thr; replaces isoleucine 124 with threonine.
Molecular consequence: missense variant.
Genome position (GRCh38, 1-based): chr3:165,069,080, A>G on the plus strand (T>C on the coding strand, the complement: SI is on the minus strand). VCF-style: chr3-165069080-A-G. GRCh37 (hg19) VCF-style: chr3-164786868-A-G.
Other names: short protein forms I124T.
Identifiers: ClinVar variation 1461953 (VCV001461953.9), dbSNP rs889224862, ClinGen allele CA86497779.

ClinVar aggregate classification (germline): Uncertain significance. Review status: criteria provided, multiple submitters, no conflicts (2 of 4 stars). 2 submissions from 2 submitters: Uncertain significance (2). Last evaluated 2022-05-11.

Conditions:
Sucrase-isomaltase deficiency (CSID). Also called: SI DEFICIENCY; Deficiency of isomaltase; Congenital sucrose isomaltose malabsorption; Sucrose isomaltose enzyme deficiency. Identifiers: Orphanet 35122, MedGen C1283620, MONDO:0009114, OMIM 222900.

Allele frequency attached by ClinVar (database versions not stated): gnomAD exomes below 0.00001.
gnomAD v4.1: 1 of 1,594,278 alleles (0.000063%); highest among the groups gnomAD compares: African/African-American, 0.0013%; no homozygotes.

Submissions (2):

Fulgent Genetics
Classification: Uncertain significance for Sucrase-isomaltase deficiency. Last evaluated: 2022-05-11. Review status: criteria provided, single submitter. Criteria: ACMG Guidelines, 2015. Collection method: clinical testing. Allele origin: unknown.

Labcorp Genetics (formerly Invitae), Labcorp
Classification: Uncertain significance. Last evaluated: 2021-07-17. Review status: criteria provided, single submitter. Criteria: Invitae Variant Classification Sherloc (09022015). Collection method: clinical testing. Allele origin: germline.
Comment: This variant is not present in population databases (ExAC no frequency). In summary, the available evidence is currently insufficient to determine the role of this variant in disease. Therefore, it has been classified as a Variant of Uncertain Significance. Algorithms developed to predict the effect of missense changes on protein structure and function output the following: SIFT: "Tolerated"; PolyPhen-2: "Benign"; Align-GVGD: "Class C0". The threonine amino acid residue is found in multiple mammalian species, which suggests that this missense change does not adversely affect protein function. This variant has not been reported in the literature in individuals affected with SI-related conditions. This sequence change replaces isoleucine with threonine at codon 124 of the SI protein (p.Ile124Thr). The isoleucine residue is weakly conserved and there is a moderate physicochemical difference between isoleucine and threonine.